The following is an entry in ClinVar:

NM_000518.5(HBB):c.92G>T (p.Arg31Met)

Genes: HBB (hemoglobin subunit beta; minus strand), LOC106099062 (HBB recombination region; plus strand), LOC107133510 (origin of replication at HBB; plus strand). Cytogenetic location: 11p15.4.
Variant type: single nucleotide variant.
Coding change: c.92G>T on transcript NM_000518.5 (MANE Select); coding-DNA position 92, G replaced by T.
Protein change: p.Arg31Met; replaces arginine 31 with methionine.
Molecular consequence: missense variant.
Genome position (GRCh38, 1-based): chr11:5,226,930, C>A on the plus strand (G>T on the coding strand, the complement: HBB is on the minus strand). VCF-style: chr11-5226930-C-A. GRCh37 (hg19) VCF-style: chr11-5248160-C-A.
Other names: short protein forms R31M.
Identifiers: ClinVar variation 3766927 (VCV003766927.1).

ClinVar aggregate classification (germline): Likely pathogenic (1 of 4 stars; one submission).

Submission:

ARUP Laboratories, Molecular Genetics and Genomics, ARUP Laboratories
Classification: Likely pathogenic. Last evaluated: 2024-01-08. Review status: criteria provided, single submitter. Criteria: ARUP Molecular Germline Variant Investigation Process 2024. Collection method: clinical testing. Allele origin: germline.
Comment: The HBB c.92G>T; p.Arg31Met variant, also known as Arg30Met when numbered from the mature protein, is reported in the literature in a beta thalassemia screening cohort (Uludag 2016). This variant is absent from the Genome Aggregation Database (v2.1.1), indicating it is not a common polymorphism. Computational analyses predict that this variant is deleterious (REVEL: 0.911). This variant is located in the last nucleotide of exon 1 and computational analyses (Alamut v.2.11) predict that this variant may impact splicing by severely weakening the nearby canonical donor splice site. Additionally, other variants at this nucleotide (c.92G>C, p.Arg31Thr, HbVar ID: 290; c.92G>A, p.Arg31Lys, HbVar ID: 816) have been reported in individuals with beta (0) thalassemia (Vidaud 1989, Kalaydjieva 1989, see HbVar link and references therein). Based on available information, the p.Arg31Met variant is considered to be likely pathogenic. References: Link to HbVar database: Kalaydjieva L et al. The molecular basis of beta thalassaemia in Bulgaria. J Med Genet. 1989 Oct;26(10):614-8. PMID: 2577233. Uludag A et al. Prevalence and mutations of beta-thalassemia trait and abnormal hemoglobins in premarital screening in Canakkale province, Turkey. Balkan J Med Genet. 2016 Aug 2;19(1):29-34. PMID: 27785405. Vidaud M et al. (1989) A 5' splice-region G----C mutation in exon 1 of the human beta-globin gene inhibits pre-mRNA splicing: a mechanism for beta+-thalassemia. Proc Natl Acad Sci U S A. 86(3):1041-5. PMID: 2915972.